The following is an entry in ClinVar:

ClinVar aggregate classification (germline): Uncertain significance. Review status: criteria provided, multiple submitters, no conflicts (2 of 4 stars). 2 submissions from 2 submitters: Uncertain significance (2). Last evaluated 2022-06-19.

Conditions:
Inborn genetic diseases. Identifiers: MedGen C0950123, MeSH D030342.

Allele frequency attached by ClinVar (database versions not stated): gnomAD exomes below 0.00001.
gnomAD v4.1: 5 of 1,533,504 alleles (0.00033%); highest among the groups gnomAD compares: Non-Finnish European, 0.00045%; no homozygotes.

Submissions (2):

Labcorp Genetics (formerly Invitae), Labcorp
Classification: Uncertain significance. Last evaluated: 2022-06-19. Review status: criteria provided, single submitter. Criteria: Invitae Variant Classification Sherloc (09022015). Collection method: clinical testing. Allele origin: germline.
Comment: This sequence change replaces glutamine, which is neutral and polar, with glutamic acid, which is acidic and polar, at codon 634 of the CEP152 protein (p.Gln634Glu). This variant is present in population databases (no rsID available, gnomAD 0.001%). This variant has not been reported in the literature in individuals affected with CEP152-related conditions. Algorithms developed to predict the effect of missense changes on protein structure and function output the following: SIFT: "Tolerated"; PolyPhen-2: "Benign"; Align-GVGD: "Class C0". The glutamic acid amino acid residue is found in multiple mammalian species, which suggests that this missense change does not adversely affect protein function. In summary, the available evidence is currently insufficient to determine the role of this variant in disease. Therefore, it has been classified as a Variant of Uncertain Significance.

Ambry Genetics
Classification: Uncertain significance for Inborn genetic diseases. Last evaluated: 2022-06-03. Review status: criteria provided, single submitter. Criteria: Ambry Variant Classification Scheme 2023. Collection method: clinical testing. Allele origin: germline.

NM_001194998.2(CEP152):c.1900C>G (p.Gln634Glu)

Gene: CEP152 (centrosomal protein 152; minus strand). Cytogenetic location: 15q21.1.
Variant type: single nucleotide variant.
Coding change: c.1900C>G on transcript NM_001194998.2 (MANE Select); coding-DNA position 1900, C replaced by G.
Protein change: p.Gln634Glu; replaces glutamine 634 with glutamic acid.
Molecular consequence: missense variant.
Genome position (GRCh38, 1-based): chr15:48,768,964, G>C on the plus strand (C>G on the coding strand, the complement: CEP152 is on the minus strand). VCF-style: chr15-48768964-G-C. GRCh37 (hg19) VCF-style: chr15-49061161-G-C.
Other names: c.1900C>G, p.Gln634Glu (NM_014985.4); short protein forms Q634E.
Identifiers: ClinVar variation 2039137 (VCV002039137.2), dbSNP rs889026394, ClinGen allele CA392350629.
Genomic context (GRCh38, chr15:48,768,964, plus strand): 5'-TTTAATGAGGAAATAAAAATTCTCATAAAATATAAAAAATATTTTTAATCACCTGATTTT[G>C]TTGTTGTAAAACTTGAATTTCATTTTTAAGCAGCAGAATATCATCTCTGACAACATCAGA-3'
Protein context (NP_001181927.1, residues 624-644): LKNEIQVLQQ[Gln634Glu]NQELKETEGK